The following is an entry in ClinVar:

NM_000400.4(ERCC2):c.653C>T (p.Ala218Val)

Gene: ERCC2 (ERCC excision repair 2, TFIIH core complex helicase subunit; minus strand). Cytogenetic location: 19q13.32.
Variant type: single nucleotide variant.
Coding change: c.653C>T on transcript NM_000400.4 (MANE Select); coding-DNA position 653, C replaced by T.
Protein change: p.Ala218Val; replaces alanine 218 with valine.
Molecular consequence: missense variant.
Genome position (GRCh38, 1-based): chr19:45,364,489, G>A on the plus strand (C>T on the coding strand, the complement: ERCC2 is on the minus strand). VCF-style: chr19-45364489-G-A. GRCh37 (hg19) VCF-style: chr19-45867747-G-A.
Other names: c.581C>T, p.Ala194Val (NM_001130867.2); short protein forms A194V, A218V.
Identifiers: ClinVar variation 2561091 (VCV002561091.2), dbSNP rs939705286, ClinGen allele CA308967601.
Genomic context (GRCh38, chr19:45,364,489, plus strand): 5'-TTGTGGGCCTCGTCGAAGACCACGACGGCCTTGCGGGCCAGTTCCTTGGACACCAGGTCT[G>A]CAATCTTGGGGTCCAGGAGGTAGTGGTAGCTATAAACCACCACATTGGCATGCAGGATCT-3'
Protein context (NP_000391.1, residues 208-228): SYHYLLDPKI[Ala218Val]DLVSKELARK

ClinVar aggregate classification (germline): Uncertain significance (1 of 4 stars; one submission).

Conditions:
Inborn genetic diseases. Identifiers: MedGen C0950123, MeSH D030342.

Allele frequency attached by ClinVar (database versions not stated): TOPMed below 0.00001; gnomAD 0.00001.
gnomAD v4.1: 1 of 1,613,828 alleles (0.000062%); highest among the groups gnomAD compares: African/African-American, 0.0013%; no homozygotes.

Submission:

Ambry Genetics
Classification: Uncertain significance for Inborn genetic diseases. Last evaluated: 2023-04-01. Review status: criteria provided, single submitter. Criteria: Ambry Variant Classification Scheme 2023. Collection method: clinical testing. Allele origin: germline.
Comment: The p.A218V variant (also known as c.653C>T), located in coding exon 8 of the ERCC2 gene, results from a C to T substitution at nucleotide position 653. The alanine at codon 218 is replaced by valine, an amino acid with similar properties. This amino acid position is conserved. In addition, this alteration is predicted to be deleterious by in silico analysis. Since supporting evidence is limited at this time, the clinical significance of this alteration remains unclear.